The following is an entry in ClinVar:

ClinVar aggregate classification (germline): Conflicting classifications of pathogenicity. Review status: criteria provided, conflicting classifications (1 of 4 stars). 2 submissions from 2 submitters: Likely pathogenic (1); Uncertain significance (1). Last evaluated 2023-04-19.

Conditions:
Alternating hemiplegia of childhood 2 (AHC2). Also called: Alternating Hemiplegia of Childhood (AHC). Identifiers: Orphanet 2131, MedGen C3553788, MONDO:0013900, OMIM 614820.

Allele frequency attached by ClinVar (database versions not stated): gnomAD exomes below 0.00001.

Submissions (2):

Institute of Human Genetics, University of Leipzig Medical Center
Classification: Uncertain significance for Alternating hemiplegia of childhood 2. Last evaluated: 2023-04-19. Review status: criteria provided, single submitter. Criteria: ACMG Guidelines, 2015. Collection method: clinical testing. Allele origin: unknown. Affected: yes.
Comment: _x000D_ Criteria applied: PS4_SUP, PM2_SUP, PP2, PP3

CeGaT Center for Human Genetics Tuebingen
Classification: Likely pathogenic. Last evaluated: 2020-03-01. Review status: criteria provided, single submitter. Criteria: CeGaT Center For Human Genetics Tuebingen Variant Classification Criteria Version 2. Collection method: clinical testing. Allele origin: germline. Affected: yes. Observed: 1 variant allele.

NM_152296.5(ATP1A3):c.1756C>T (p.Arg586Trp)

Gene: ATP1A3 (ATPase Na+/K+ transporting subunit alpha 3; minus strand). Cytogenetic location: 19q13.2.
Variant type: single nucleotide variant.
Coding change: c.1756C>T on transcript NM_152296.5 (MANE Select); coding-DNA position 1756, C replaced by T.
Protein change: p.Arg586Trp; replaces arginine 586 with tryptophan.
Molecular consequence: missense variant.
Genome position (GRCh38, 1-based): chr19:41,978,201, G>A on the plus strand (C>T on the coding strand, the complement: ATP1A3 is on the minus strand). VCF-style: chr19-41978201-G-A. GRCh37 (hg19) VCF-style: chr19-42482353-G-A.
Other names: c.1789C>T, p.Arg597Trp (NM_001256213.2); c.1795C>T, p.Arg599Trp (NM_001256214.2); short protein forms R597W, R599W, R586W.
Identifiers: ClinVar variation 916241 (VCV000916241.41), dbSNP rs1555862098, ClinGen allele CA406045580.